The following is an entry in ClinVar:

ClinVar aggregate classification (germline): Uncertain significance (1 of 4 stars; one submission).

Conditions:
Gastrointestinal stromal tumor. Also called: Gastrointestinal stromal tumor, somatic; Gastrointestinal stroma tumor. Identifiers: Orphanet 44890, MedGen C0238198, MeSH D046152, MONDO:0011719, OMIM 606764, HP:0100723.

Submission:

Labcorp Genetics (formerly Invitae), Labcorp
Classification: Uncertain significance for Gastrointestinal stromal tumor. Last evaluated: 2024-09-04. Review status: criteria provided, single submitter. Criteria: Invitae Variant Classification Sherloc (09022015). Collection method: clinical testing. Allele origin: germline.
Comment: This sequence change replaces glutamic acid, which is acidic and polar, with glycine, which is neutral and non-polar, at codon 64 of the PDGFRA protein (p.Glu64Gly). This variant is not present in population databases (gnomAD no frequency). This variant has not been reported in the literature in individuals affected with PDGFRA-related conditions. An algorithm developed to predict the effect of missense changes on protein structure and function outputs the following: PolyPhen-2: "Benign". The glycine amino acid residue is found in multiple mammalian species, which suggests that this missense change does not adversely affect protein function. In summary, the available evidence is currently insufficient to determine the role of this variant in disease. Therefore, it has been classified as a Variant of Uncertain Significance.

NM_006206.6(PDGFRA):c.191A>G (p.Glu64Gly)

Gene: PDGFRA (platelet derived growth factor receptor alpha; plus strand). Cytogenetic location: 4q12.
Variant type: single nucleotide variant.
Coding change: c.191A>G on transcript NM_006206.6 (MANE Select); coding-DNA position 191, A replaced by G.
Protein change: p.Glu64Gly; replaces glutamic acid 64 with glycine.
Molecular consequence: missense variant.
Genome position (GRCh38, 1-based): chr4:54,261,236, A>G. VCF-style: chr4-54261236-A-G. GRCh37 (hg19) VCF-style: chr4-55127403-A-G.
Other names: c.191A>G, p.Glu64Gly (NM_001347827.2, NM_001347829.2); c.266A>G, p.Glu89Gly (NM_001347828.2); c.230A>G, p.Glu77Gly (NM_001347830.2); short protein forms E77G, E64G, E89G.
Identifiers: ClinVar variation 3664460 (VCV003664460.2).